The following is an entry in ClinVar:

NM_000540.3(RYR1):c.13594C>T (p.Pro4532Ser)

Gene: RYR1 (ryanodine receptor 1; plus strand). Cytogenetic location: 19q13.2.
Variant type: single nucleotide variant.
Coding change: c.13594C>T on transcript NM_000540.3 (MANE Select); coding-DNA position 13594, C replaced by T.
Protein change: p.Pro4532Ser; replaces proline 4532 with serine.
Molecular consequence: missense variant.
Genome position (GRCh38, 1-based): chr19:38,567,852, C>T. VCF-style: chr19-38567852-C-T. GRCh37 (hg19) VCF-style: chr19-39058492-C-T.
Other names: c.13579C>T, p.Pro4527Ser (NM_001042723.2); short protein forms P4532S, P4527S.
Identifiers: ClinVar variation 1417920 (VCV001417920.8), dbSNP rs2145855568, ClinGen allele CA405677855.

ClinVar aggregate classification (germline): Uncertain significance. Review status: criteria provided, multiple submitters, no conflicts (2 of 4 stars). 2 submissions from 2 submitters: Uncertain significance (2). Last evaluated 2024-03-16.

Conditions:
Malignant hyperthermia, susceptibility to, 1 (MHS1). Also called: Anesthesia related hyperthermia; Malignant hyperpyrexia; Fulminating hyperpyrexia; Pharmacogenic myopathy; RYR1-Related Malignant Hyperthermia Susceptibility; Malignant hyperthermia suceptibility 1. Identifiers: Orphanet 423, MedGen C2930980, MONDO:0007783, OMIM 145600.
RYR1-related disorder. Also called: RYR1-related disorders; RYR1-related condition. Identifiers: MedGen CN239331.

Submissions (2):

Labcorp Genetics (formerly Invitae), Labcorp
Classification: Uncertain significance for RYR1-related disorder. Last evaluated: 2024-03-16. Review status: criteria provided, single submitter. Criteria: Invitae Variant Classification Sherloc (09022015). Collection method: clinical testing. Allele origin: germline.
Comment: This sequence change replaces proline, which is neutral and non-polar, with serine, which is neutral and polar, at codon 4532 of the RYR1 protein (p.Pro4532Ser). This variant is not present in population databases (gnomAD no frequency). This variant has not been reported in the literature in individuals affected with RYR1-related conditions. ClinVar contains an entry for this variant (Variation ID: 1417920). Advanced modeling of protein sequence and biophysical properties (such as structural, functional, and spatial information, amino acid conservation, physicochemical variation, residue mobility, and thermodynamic stability) performed at Invitae indicates that this missense variant is not expected to disrupt RYR1 protein function with a negative predictive value of 95%. In summary, the available evidence is currently insufficient to determine the role of this variant in disease. Therefore, it has been classified as a Variant of Uncertain Significance.

All of Us Research Program, National Institutes of Health
Classification: Uncertain significance for Malignant hyperthermia, susceptibility to, 1. Last evaluated: 2023-05-04. Review status: criteria provided, single submitter. Criteria: ACMG Guidelines, 2015. Collection method: clinical testing. Allele origin: germline. Inheritance: Autosomal dominant inheritance. Observed: 1 variant allele, 1 heterozygote.
Comment: This missense variant replaces proline with serine at codon 4532 of the RYR1 protein. Computational prediction suggests that this variant may not impact protein structure and function (internally defined REVEL score threshold <= 0.5, PMID: 27666373). To our knowledge, functional studies have not been reported for this variant. This variant has not been reported in individuals affected with RYR1-related disorders in the literature. This variant has not been identified in the general population by the Genome Aggregation Database (gnomAD). The available evidence is insufficient to determine the role of this variant in disease conclusively. Therefore, this variant is classified as a Variant of Uncertain Significance.

This study involves interpretation of variants in research participants for the purpose of population health screening. Participant phenotype was not available at the time of variant classification. Additional details can be found in publication PMID: 35346344, PMCID: PMC8962531